The following is an entry in ClinVar:

ClinVar aggregate classification (germline): Uncertain significance (1 of 4 stars; one submission).

Submission:

Ambry Genetics
Classification: Uncertain significance. Last evaluated: 2023-01-31. Review status: criteria provided, single submitter. Criteria: Ambry Variant Classification Scheme 2023. Collection method: clinical testing. Allele origin: germline.
Comment: The p.D502A variant (also known as c.1505A>C), located in coding exon 14 of the RAD54L gene, results from an A to C substitution at nucleotide position 1505. The aspartic acid at codon 502 is replaced by alanine, an amino acid with dissimilar properties. This amino acid position is conserved. In addition, this alteration is predicted to be deleterious by in silico analysis. Since supporting evidence is limited at this time, the clinical significance of this alteration remains unclear.

NM_003579.4(RAD54L):c.1505A>C (p.Asp502Ala)

Gene: RAD54L (RAD54 like; plus strand). Cytogenetic location: 1p34.1.
Variant type: single nucleotide variant.
Coding change: c.1505A>C on transcript NM_003579.4 (MANE Select); coding-DNA position 1505, A replaced by C.
Protein change: p.Asp502Ala; replaces aspartic acid 502 with alanine.
Molecular consequence: missense variant.
Genome position (GRCh38, 1-based): chr1:46,273,642, A>C. VCF-style: chr1-46273642-A-C. GRCh37 (hg19) VCF-style: chr1-46739314-A-C.
Other names: c.1505A>C, p.Asp502Ala (NM_001142548.2); c.965A>C, p.Asp322Ala (NM_001370766.1); short protein forms D322A, D502A.
Identifiers: ClinVar variation 2447806 (VCV002447806.2), dbSNP rs767085337, ClinGen allele CA340181808.